The following is an entry in ClinVar:

ClinVar aggregate classification (germline): Uncertain significance (1 of 4 stars; one submission).

Conditions:
Joubert syndrome 15 (JBTS15). Identifiers: Orphanet 475, MedGen C3280897, MONDO:0013763, OMIM 614464.

Submission:

Labcorp Genetics (formerly Invitae), Labcorp
Classification: Uncertain significance for Joubert syndrome 15. Last evaluated: 2022-07-14. Review status: criteria provided, single submitter. Criteria: Invitae Variant Classification Sherloc (09022015). Collection method: clinical testing. Allele origin: germline.
Comment: In summary, the available evidence is currently insufficient to determine the role of this variant in disease. Therefore, it has been classified as a Variant of Uncertain Significance. Algorithms developed to predict the effect of missense changes on protein structure and function are either unavailable or do not agree on the potential impact of this missense change (SIFT: "Deleterious"; PolyPhen-2: "Benign"; Align-GVGD: "Class C0"). This variant has not been reported in the literature in individuals affected with CEP41-related conditions. This variant is not present in population databases (gnomAD no frequency). This sequence change replaces proline, which is neutral and non-polar, with arginine, which is basic and polar, at codon 120 of the CEP41 protein (p.Pro120Arg).

NM_018718.3(CEP41):c.359C>G (p.Pro120Arg)

Gene: CEP41 (centrosomal protein 41; minus strand). Cytogenetic location: 7q32.2.
Variant type: single nucleotide variant.
Coding change: c.359C>G on transcript NM_018718.3 (MANE Select); coding-DNA position 359, C replaced by G.
Protein change: p.Pro120Arg; replaces proline 120 with arginine.
Molecular consequence: missense variant.
Genome position (GRCh38, 1-based): chr7:130,404,627, G>C on the plus strand (C>G on the coding strand, the complement: CEP41 is on the minus strand). VCF-style: chr7-130404627-G-C. GRCh37 (hg19) VCF-style: chr7-130044468-G-C.
Other names: c.359C>G, p.Pro120Arg (NM_001257158.2); c.311C>G, p.Pro104Arg (NM_001257159.2); short protein forms P104R, P120R.
Identifiers: ClinVar variation 2090863 (VCV002090863.4), dbSNP rs782275564, ClinGen allele CA369289289.